The following is an entry in ClinVar:

NM_000238.4(KCNH2):c.750_751delinsCT (p.Pro251Ser)

Gene: KCNH2 (potassium voltage-gated channel subfamily H member 2; minus strand). Cytogenetic location: 7q36.1.
Variant type: Indel.
Coding change: c.750_751delinsCT on transcript NM_000238.4 (MANE Select); coding-DNA positions 750 to 751, GC replaced by CT.
Protein change: p.Pro251Ser; replaces proline 251 with serine.
Molecular consequence: missense variant. On other transcripts: non-coding transcript variant (1).
Genome position (GRCh38, 1-based): chr7:150,958,224-150,958,225, GC replaced by AG on the plus strand (GC replaced by CT on the coding strand, the reverse complement: KCNH2 is on the minus strand). VCF-style: chr7-150958224-GC-AG. GRCh37 (hg19) VCF-style: chr7-150655312-GC-AG.
Other names: c.462_463delinsCT, p.Pro155Ser (NM_001406753.1, NM_001406756.1); c.573_574delinsCT, p.Pro192Ser (NM_001406755.1); c.450_451delinsCT, p.Pro151Ser (NM_001406757.1); c.750_751delinsCT, p.Pro251Ser (NM_172056.3); short protein forms P251S, P151S, P192S, P155S.
Identifiers: ClinVar variation 1410845 (VCV001410845.5), dbSNP rs2117004283, ClinGen allele CA2573141817.

ClinVar aggregate classification (germline): Uncertain significance. Review status: criteria provided, multiple submitters, no conflicts (2 of 4 stars). 2 submissions from 2 submitters: Uncertain significance (2). Last evaluated 2025-12-24.

Conditions:
Long QT syndrome 2 (LQT2). Identifiers: Orphanet 101016, Orphanet 768, MedGen C3150943, MONDO:0013367, OMIM 613688.
Short QT syndrome type 1. Identifiers: Orphanet 51083, MedGen C1865020, MONDO:0012312, OMIM 609620.
Long QT syndrome (LQTS). Identifiers: MedGen C0023976, MeSH D008133, MONDO:0002442. Disease mechanism: loss of function. Inheritance: Various modes of inheritance.

Submissions (2):

Labcorp Genetics (formerly Invitae), Labcorp
Classification: Uncertain significance for Long QT syndrome. Last evaluated: 2025-12-24. Review status: criteria provided, single submitter. Criteria: Invitae Variant Classification Sherloc (09022015). Collection method: clinical testing. Allele origin: germline.
Comment: This sequence change replaces proline, which is neutral and non-polar, with serine, which is neutral and polar, at codon 251 of the KCNH2 protein (p.Pro251Ser). Information on the frequency of this variant in the gnomAD database is not available, as this variant may be reported differently in the database. This missense change has been observed in individual(s) with Romano Ward syndrome (PMID: 16414944). ClinVar contains an entry for this variant (Variation ID: 1410845). Experimental studies and prediction algorithms are not available or were not evaluated, and the functional significance of this variant is currently unknown. In summary, the available evidence is currently insufficient to determine the role of this variant in disease. Therefore, it has been classified as a Variant of Uncertain Significance.

Fulgent Genetics
Classification: Uncertain significance for Short QT syndrome type 1; Long QT syndrome 2. Last evaluated: 2022-02-23. Review status: criteria provided, single submitter. Criteria: ACMG Guidelines, 2015. Collection method: clinical testing. Allele origin: unknown.

Literature cited by the submitters: PubMed 16414944 (cited by Labcorp Genetics (formerly Invitae), Labcorp).